The following is an entry in ClinVar:

ClinVar aggregate classification (germline): Uncertain significance (1 of 4 stars; one submission).

Allele frequency attached by ClinVar (database versions not stated): gnomAD exomes 0.00001; ExAC 0.00002.
gnomAD v4.1: 6 of 1,613,672 alleles (0.00037%); highest among the groups gnomAD compares: Admixed American, 0.0083%; no homozygotes.

Submission:

Labcorp Genetics (formerly Invitae), Labcorp
Classification: Uncertain significance. Last evaluated: 2023-07-17. Review status: criteria provided, single submitter. Criteria: Invitae Variant Classification Sherloc (09022015). Collection method: clinical testing. Allele origin: germline.
Comment: This variant is present in population databases (rs762169546, gnomAD 0.01%). In summary, the available evidence is currently insufficient to determine the role of this variant in disease. Therefore, it has been classified as a Variant of Uncertain Significance. Advanced modeling of protein sequence and biophysical properties (such as structural, functional, and spatial information, amino acid conservation, physicochemical variation, residue mobility, and thermodynamic stability) has been performed at Invitae for this missense variant, however the output from this modeling did not meet the statistical confidence thresholds required to predict the impact of this variant on COQ8A protein function. ClinVar contains an entry for this variant (Variation ID: 1942027). This variant has not been reported in the literature in individuals affected with COQ8A-related conditions. This sequence change replaces leucine, which is neutral and non-polar, with methionine, which is neutral and non-polar, at codon 293 of the COQ8A protein (p.Leu293Met).

NM_020247.5(COQ8A):c.877C>A (p.Leu293Met)

Gene: COQ8A (coenzyme Q8A; plus strand). Cytogenetic location: 1q42.13.
Variant type: single nucleotide variant.
Coding change: c.877C>A on transcript NM_020247.5 (MANE Select); coding-DNA position 877, C replaced by A.
Protein change: p.Leu293Met; replaces leucine 293 with methionine.
Molecular consequence: missense variant.
Genome position (GRCh38, 1-based): chr1:226,982,701, C>A. VCF-style: chr1-226982701-C-A. GRCh37 (hg19) VCF-style: chr1-227170402-C-A.
Other names: short protein forms L293M.
Identifiers: ClinVar variation 1942027 (VCV001942027.5), dbSNP rs762169546, ClinGen allele CA1425205.